The following is an entry in ClinVar:

NM_033380.3(COL4A5):c.1409A>G (p.Glu470Gly)

Gene: COL4A5 (collagen type IV alpha 5 chain; plus strand). Cytogenetic location: Xq22.3.
Variant type: single nucleotide variant.
Coding change: c.1409A>G on transcript NM_033380.3 (MANE Select); coding-DNA position 1409, A replaced by G.
Protein change: p.Glu470Gly; replaces glutamic acid 470 with glycine.
Molecular consequence: missense variant.
Genome position (GRCh38, 1-based): chrX:108,591,630, A>G. VCF-style: chrX-108591630-A-G. GRCh37 (hg19) VCF-style: chrX-107834860-A-G.
Other names: c.1409A>G, p.Glu470Gly (NM_000495.5); short protein forms E470G.
Identifiers: ClinVar variation 4855131 (VCV004855131.1).

ClinVar aggregate classification (germline): Uncertain significance (1 of 4 stars; one submission).

Conditions:
X-linked Alport syndrome (ATS1). Also called: NEPHROPATHY AND DEAFNESS, X-LINKED; COL4A5-Related Nephropathy. Identifiers: Orphanet 63, Orphanet 88917, MedGen C4746986, MONDO:0010520, OMIM 301050.

Submission:

3billion
Classification: Uncertain significance for X-linked Alport syndrome. Last evaluated: 2025-10-22. Review status: criteria provided, single submitter. Criteria: ACMG Guidelines, 2015. Collection method: clinical testing. Allele origin: germline. Affected: yes.
Comment: The variant is not observed in the gnomAD v4.1.0 dataset. Predicted Consequence/Location: The variant is located in a mutational hot spot and/or well-established functional domain in which established pathogenic variants have been reported. Therefore, this variant is classified as VUS according to the recommendation of ACMG/AMP guideline.